The following is an entry in ClinVar:

ClinVar aggregate classification (germline): Benign. Review status: criteria provided, multiple submitters, no conflicts (2 of 4 stars). 3 submissions from 3 submitters: Benign (3). Last evaluated 2025-12-01.

Allele frequency attached by ClinVar (database versions not stated): gnomAD 0.00121 and 0.00166; gnomAD exomes 0.00137 and 0.00314; TOPMed 0.00176; ExAC 0.00217; 1000 Genomes Project 30x 0.00531; 1000 Genomes Project 0.00579.
gnomAD v4.1: 2,201 of 1,550,918 alleles (0.14%); highest among the groups gnomAD compares: East Asian, 4.4%; 39 homozygotes.

Submissions (3):

CeGaT Center for Human Genetics Tuebingen
Classification: Benign. Last evaluated: 2025-12-01. Review status: criteria provided, single submitter. Criteria: CeGaT Center For Human Genetics Tuebingen Variant Classification Criteria Version 2. Collection method: clinical testing. Allele origin: germline. Affected: yes. Observed: 2 variant alleles.
Comment: PTPRQ: BS1, BS2

GeneDx
Classification: Benign. Last evaluated: 2019-07-09. Review status: criteria provided, single submitter. Criteria: GeneDx Variant Classification Process June 2021. Collection method: clinical testing. Allele origin: germline. Affected: yes.

Breakthrough Genomics
Classification: Benign. Review status: criteria provided, single submitter. Criteria: ACMG Guidelines, 2015. Collection method: not provided. Allele origin: germline. Inheritance: Autosomal recessive inheritance. Affected: yes.

NM_001145026.2(PTPRQ):c.6631A>G (p.Ile2211Val)

Gene: PTPRQ (protein tyrosine phosphatase receptor type Q; plus strand). Cytogenetic location: 12q21.31.
Variant type: single nucleotide variant.
Coding change: c.6631A>G on transcript NM_001145026.2 (MANE Select); coding-DNA position 6631, A replaced by G.
Protein change: p.Ile2211Val; replaces isoleucine 2211 with valine.
Molecular consequence: missense variant.
Genome position (GRCh38, 1-based): chr12:80,673,197, A>G. VCF-style: chr12-80673197-A-G. GRCh37 (hg19) VCF-style: chr12-81066976-A-G.
Other names: short protein forms I2211V.
Identifiers: ClinVar variation 1250169 (VCV001250169.8), dbSNP rs74971960, ClinGen allele CA6702983.